The following is an entry in ClinVar:

NM_000301.5(PLG):c.427C>T (p.Pro143Ser)

Gene: PLG (plasminogen; plus strand). Cytogenetic location: 6q26.
Variant type: single nucleotide variant.
Coding change: c.427C>T on transcript NM_000301.5 (MANE Select); coding-DNA position 427, C replaced by T.
Protein change: p.Pro143Ser; replaces proline 143 with serine.
Molecular consequence: missense variant.
Genome position (GRCh38, 1-based): chr6:160,713,005, C>T. VCF-style: chr6-160713005-C-T. GRCh37 (hg19) VCF-style: chr6-161134037-C-T.
Other names: short protein forms P143S.
Identifiers: ClinVar variation 1483323 (VCV001483323.6), dbSNP rs751122910, ClinGen allele CA4087439.

ClinVar aggregate classification (germline): Uncertain significance (1 of 4 stars; one submission).

Allele frequency attached by ClinVar (database versions not stated): gnomAD exomes 0.00002 and 0.00005; ExAC 0.00001; TOPMed 0.00002; gnomAD 0.00004.
gnomAD v4.1: 80 of 1,609,056 alleles (0.005%); highest among the groups gnomAD compares: Non-Finnish European, 0.0065%; no homozygotes.

Submission:

Labcorp Genetics (formerly Invitae), Labcorp
Classification: Uncertain significance. Last evaluated: 2025-07-30. Review status: criteria provided, single submitter. Criteria: Invitae Variant Classification Sherloc (09022015). Collection method: clinical testing. Allele origin: germline.
Comment: This sequence change replaces proline, which is neutral and non-polar, with serine, which is neutral and polar, at codon 143 of the PLG protein (p.Pro143Ser). This variant is present in population databases (rs751122910, gnomAD 0.005%). This variant has not been reported in the literature in individuals affected with PLG-related conditions. ClinVar contains an entry for this variant (Variation ID: 1483323). An algorithm developed to predict the effect of missense changes on protein structure and function (PolyPhen-2) suggests that this variant is likely to be disruptive. In summary, the available evidence is currently insufficient to determine the role of this variant in disease. Therefore, it has been classified as a Variant of Uncertain Significance.